The following is an entry in ClinVar:

NM_020778.5(ALPK3):c.220G>A (p.Glu74Lys)

Gene: ALPK3 (alpha kinase 3; plus strand). Cytogenetic location: 15q25.3.
Variant type: single nucleotide variant.
Coding change: c.220G>A on transcript NM_020778.5 (MANE Select); coding-DNA position 220, G replaced by A.
Protein change: p.Glu74Lys; replaces glutamic acid 74 with lysine.
Molecular consequence: missense variant.
Genome position (GRCh38, 1-based): chr15:84,827,521, G>A. VCF-style: chr15-84827521-G-A. GRCh37 (hg19) VCF-style: chr15-85370752-G-A.
Other names: short protein forms E74K.
Identifiers: ClinVar variation 1762697 (VCV001762697.3), dbSNP rs780087441, ClinGen allele CA7708893.
Genomic context (GRCh38, chr15:84,827,521, plus strand): 5'-GAATAGCTCTTTGCCTCTCTTAGGAGCACCTTCTGCTCCATCATTGCTCAGCTCACAGAG[G>A]AGACCCAGCCGCTATTTGAGACCACGCTCAAGTCCCGGTCTGTGTCCGAGGACAGCGACG-3'
Protein context (NP_065829.4, residues 64-84): FCSIIAQLTE[Glu74Lys]TQPLFETTLK

ClinVar aggregate classification (germline): Uncertain significance. Review status: criteria provided, multiple submitters, no conflicts (2 of 4 stars). 2 submissions from 2 submitters: Uncertain significance (2). Last evaluated 2025-04-24.

Conditions:
Cardiovascular phenotype. Identifiers: MedGen CN230736.

Allele frequency attached by ClinVar (database versions not stated): gnomAD exomes below 0.00001; ExAC 0.00001; gnomAD 0.00001; TOPMed 0.00001.
gnomAD v4.1: 2 of 1,614,054 alleles (0.00012%); highest among the groups gnomAD compares: African/African-American, 0.0027%; no homozygotes.

Submissions (2):

Labcorp Genetics (formerly Invitae), Labcorp
Classification: Uncertain significance. Last evaluated: 2025-04-24. Review status: criteria provided, single submitter. Criteria: Invitae Variant Classification Sherloc (09022015). Collection method: clinical testing. Allele origin: germline.
Comment: This sequence change replaces glutamic acid, which is acidic and polar, with lysine, which is basic and polar, at codon 276 of the ALPK3 protein (p.Glu276Lys). This variant is present in population databases (rs780087441, gnomAD 0.007%). This variant has not been reported in the literature in individuals affected with ALPK3-related conditions. ClinVar contains an entry for this variant (Variation ID: 1762697). An algorithm developed to predict the effect of missense changes on protein structure and function (PolyPhen-2) suggests that this variant is likely to be disruptive. In summary, the available evidence is currently insufficient to determine the role of this variant in disease. Therefore, it has been classified as a Variant of Uncertain Significance.

Ambry Genetics
Classification: Uncertain significance for Cardiovascular phenotype. Last evaluated: 2021-12-02. Review status: criteria provided, single submitter. Criteria: Ambry Variant Classification Scheme 2023. Collection method: clinical testing. Allele origin: germline.
Comment: The p.E276K variant (also known as c.826G>A), located in coding exon 3 of the ALPK3 gene, results from a G to A substitution at nucleotide position 826. The glutamic acid at codon 276 is replaced by lysine, an amino acid with similar properties. This amino acid position is conserved. In addition, the in silico prediction for this alteration is inconclusive. Since supporting evidence is limited at this time, the clinical significance of this alteration remains unclear.